The following is an entry in ClinVar:

NM_000552.5(VWF):c.3089A>G (p.Gln1030Arg)

Gene: VWF (von Willebrand factor; minus strand). Cytogenetic location: 12p13.31.
Variant type: single nucleotide variant.
Coding change: c.3089A>G on transcript NM_000552.5 (MANE Select); coding-DNA position 3089, A replaced by G.
Protein change: p.Gln1030Arg; replaces glutamine 1030 with arginine.
Molecular consequence: missense variant.
Genome position (GRCh38, 1-based): chr12:6,025,925, T>C on the plus strand (A>G on the coding strand, the complement: VWF is on the minus strand). VCF-style: chr12-6025925-T-C. GRCh37 (hg19) VCF-style: chr12-6135091-T-C.
Other names: short protein forms Q1030R.
Identifiers: ClinVar variation 801300 (VCV000801300.12), dbSNP rs145125264, ClinGen allele CA6402858.

ClinVar aggregate classification (germline): Conflicting classifications of pathogenicity. Review status: criteria provided, conflicting classifications (1 of 4 stars). 4 submissions from 4 submitters: Uncertain significance (1); Likely benign (3). Last evaluated 2025-05-07.

Allele frequency attached by ClinVar (database versions not stated): gnomAD exomes 0.00023 and 0.00053; ExAC 0.00059; 1000 Genomes Project 0.00180; 1000 Genomes Project 30x 0.00187; gnomAD 0.00203 and 0.00222; TOPMed 0.00244; ESP Exome Variant Server 0.00254.
gnomAD v4.1: 659 of 1,614,006 alleles (0.041%); highest among the groups gnomAD compares: African/African-American, 0.73%; 5 homozygotes.

Submissions (9):

Quest Diagnostics Nichols Institute San Juan Capistrano
Classification: Likely benign. Last evaluated: 2025-05-07. Review status: criteria provided, single submitter. Criteria: Quest Diagnostics criteria. Collection method: clinical testing. Allele origin: unknown.

Women's Health and Genetics/Laboratory Corporation of America, LabCorp
Classification: Likely benign. Last evaluated: 2024-09-24. Review status: criteria provided, single submitter. Criteria: LabCorp Variant Classification Summary - May 2015. Collection method: clinical testing. Allele origin: germline.
Comment: Variant summary: VWF c.3089A>G (p.Gln1030Arg) results in a conservative amino acid change located in the von Willebrand factor, type D domain (IPR001846) of the encoded protein sequence. Five of five in-silico tools predict a benign effect of the variant on protein function. The variant allele was found at a frequency of 0.00054 in 251964 control chromosomes (gnomAD, Bellissimo_2011, Sadler_2021), predominantly at a frequency of 0.007 within the African or African-American subpopulation in the gnomAD database, including 1 homozygote. The observed variant frequency within African or African-American control individuals in the gnomAD database exceeds the estimated maximal expected allele frequency for a pathogenic variant in VWF causing Von Willebrand Disease phenotype. To our knowledge, no occurrence of c.3089A>G in individuals affected with Von Willebrand Disease and no experimental evidence demonstrating its impact on protein function have been reported. The following publications have been ascertained in the context of this evaluation (PMID: 22197721, 33556167, 23216583). ClinVar contains an entry for this variant (Variation ID: 801300). Based on the evidence outlined above, the variant was classified as likely benign.

ARUP Laboratories, Molecular Genetics and Genomics, ARUP Laboratories
Classification: Likely benign. Last evaluated: 2023-11-17. Review status: criteria provided, single submitter. Criteria: ARUP Molecular Germline Variant Investigation Process 2024. Collection method: clinical testing. Allele origin: germline.

Breakthrough Genomics
Classification: Uncertain significance. Review status: criteria provided, single submitter. Criteria: ACMG Guidelines, 2015. Collection method: not provided. Allele origin: germline. Inheritance: Autosomal recessive inheritance. Affected: yes.

Dr. Peter K. Rogan Lab, Western University
No classification provided (evidence only). Condition: Clear cell carcinoma of kidney. Review status: no classification provided. Collection method: in vitro. Allele origin: not applicable. Functional consequence: retained intron. Not counted in ClinVar's aggregate classification.

Dr. Peter K. Rogan Lab, Western University
No classification provided (evidence only). Condition: Clear cell carcinoma of kidney. Review status: no classification provided. Collection method: in vitro. Allele origin: not applicable. Functional consequence: retained intron. Not counted in ClinVar's aggregate classification.

Dr. Peter K. Rogan Lab, Western University
No classification provided (evidence only). Condition: Clear cell carcinoma of kidney. Review status: no classification provided. Collection method: in vitro. Allele origin: not applicable. Functional consequence: skipped exon, retained intron. Not counted in ClinVar's aggregate classification.

Dr. Peter K. Rogan Lab, Western University
No classification provided (evidence only). Condition: Sarcoma. Review status: no classification provided. Collection method: in vitro. Allele origin: not applicable. Functional consequence: retained intron. Not counted in ClinVar's aggregate classification.

Dr. Peter K. Rogan Lab, Western University
No classification provided (evidence only). Condition: Nonpapillary renal cell carcinoma. Review status: no classification provided. Collection method: in vitro. Allele origin: not applicable. Functional consequence: skipped exon, retained intron. Not counted in ClinVar's aggregate classification.

Literature cited by the submitters: PubMed 22197721 (cited by Quest Diagnostics Nichols Institute San Juan Capistrano and Women's Health and Genetics/Laboratory Corporation of America, LabCorp); PubMed 26420797 (cited by Quest Diagnostics Nichols Institute San Juan Capistrano); PubMed 23690449 (cited by Quest Diagnostics Nichols Institute San Juan Capistrano); PubMed 33556167 (cited by Quest Diagnostics Nichols Institute San Juan Capistrano and Women's Health and Genetics/Laboratory Corporation of America, LabCorp); PubMed 23216583 (cited by Women's Health and Genetics/Laboratory Corporation of America, LabCorp).